The following is an entry in ClinVar:

ClinVar aggregate classification (germline): Uncertain significance. Review status: criteria provided, multiple submitters, no conflicts (2 of 4 stars). 2 submissions from 2 submitters: Uncertain significance (2). Last evaluated 2026-05-27.

Conditions:
Glycogen storage disease, type VII (GSD7). Also called: GSD VII; MUSCLE PHOSPHOFRUCTOKINASE DEFICIENCY; PFKM DEFICIENCY; TARUI DISEASE. Identifiers: Orphanet 371, MedGen C0017926, MONDO:0009295, OMIM 232800.

Submissions (2):

Myriad Genetics, Inc.
Classification: Uncertain significance for Glycogen storage disease, type VII. Last evaluated: 2026-05-27. Review status: criteria provided, single submitter. Criteria: Myriad Autosomal Dominant, Autosomal Recessive and X-Linked Classification Criteria (2023). Collection method: clinical testing. Allele origin: unknown.
Comment: NM_001166686.1(PFKM):c.450+5_450+6ins9 is an intronic variant classified as a variant of uncertain significance in the context of glycogen storage disease, PFKM-related. c.450+5_450+6ins9 has not been observed in cases with relevant disease. Relevant functional assessments of this variant are not available in the literature. c.450+5_450+6ins9 has been observed in referenced population frequency databases. In summary, there is insufficient evidence to classify NM_001166686.1(PFKM):c.450+5_450+6ins9 as pathogenic or benign. Please note: this variant was assessed in the context of healthy population screening.

Labcorp Genetics (formerly Invitae), Labcorp
Classification: Uncertain significance for Glycogen storage disease, type VII. Last evaluated: 2022-10-03. Review status: criteria provided, single submitter. Criteria: Invitae Variant Classification Sherloc (09022015). Collection method: clinical testing. Allele origin: germline.
Comment: This sequence change falls in intron 4 of the PFKM gene. It does not directly change the encoded amino acid sequence of the PFKM protein. It affects a nucleotide within the consensus splice site. This variant is present in population databases (rs773188494, gnomAD 0.004%). This variant has not been reported in the literature in individuals affected with PFKM-related conditions. Variants that disrupt the consensus splice site are a relatively common cause of aberrant splicing (PMID: 17576681, 9536098). Algorithms developed to predict the effect of sequence changes on RNA splicing suggest that this variant is not likely to affect RNA splicing. In summary, the available evidence is currently insufficient to determine the role of this variant in disease. Therefore, it has been classified as a Variant of Uncertain Significance.

Literature cited by the submitters: PubMed 17576681 (cited by Labcorp Genetics (formerly Invitae), Labcorp); PubMed 9536098 (cited by Labcorp Genetics (formerly Invitae), Labcorp).

NM_000289.6(PFKM):c.237+5_237+6insCTGAATATG

Gene: PFKM (phosphofructokinase, muscle; plus strand). Cytogenetic location: 12q13.11.
Variant type: Insertion.
Coding change: c.237+5_237+6insCTGAATATG on transcript NM_000289.6 (MANE Select); bases 5 to 6 of the intron after coding-DNA position 237, CTGAATATG inserted.
Molecular consequence: splice donor variant.
Genome position: GRCh38 VCF-style: chr12-48131394-G-GTATGCTGAA. GRCh37 (hg19) VCF-style: chr12-48525177-G-GTATGCTGAA.
Other names: c.261+5_261+6insCTGAATATG (NM_001354741.2); c.237+5_237+6insCTGAATATG (NM_001354742.2, NM_001354743.2, NM_001354744.2 and 4 more transcripts); c.87+5_87+6insCTGAATATG (NM_001354747.2, NM_001354748.2); c.450+5_450+6insCTGAATATG (NM_001166686.2, NM_001354737.1, NM_001354739.1 and 1 more transcripts); c.546+5_546+6insCTGAATATG (NM_001354736.1, NM_001354735.1); c.381+5_381+6insCTGAATATG (NM_001354740.1); c.150+5_150+6insCTGAATATG (NM_001354745.2).
Identifiers: ClinVar variation 2158975 (VCV002158975.2), dbSNP rs773188494, ClinGen allele CA6536928.